The following is an entry in ClinVar:

NM_016222.4(DDX41):c.799C>T (p.Arg267Trp)

Gene: DDX41 (DEAD-box helicase 41; minus strand). Cytogenetic location: 5q35.3.
Variant type: single nucleotide variant.
Coding change: c.799C>T on transcript NM_016222.4 (MANE Select); coding-DNA position 799, C replaced by T.
Protein change: p.Arg267Trp; replaces arginine 267 with tryptophan.
Molecular consequence: missense variant.
Genome position (GRCh38, 1-based): chr5:177,514,837, G>A on the plus strand (C>T on the coding strand, the complement: DDX41 is on the minus strand). VCF-style: chr5-177514837-G-A. GRCh37 (hg19) VCF-style: chr5-176941838-G-A.
Other names: c.421C>T, p.Arg141Trp (NM_001321732.2, NM_001321830.2); short protein forms R141W, R267W.
Identifiers: ClinVar variation 2575810 (VCV002575810.7), dbSNP rs748590587, ClinGen allele CA3585007.

ClinVar aggregate classification (germline): Uncertain significance. Review status: criteria provided, multiple submitters, no conflicts (2 of 4 stars). 5 submissions from 5 submitters: Uncertain significance (5). Last evaluated 2025-10-12.

Conditions:
DDX41-related hematologic malignancy predisposition syndrome. Also called: Myeloproliferative/lymphoproliferative neoplasms, familial (multiple types), susceptibility to; DDX41-Associated Familial Myelodysplastic Syndrome and Acute Myeloid Leukemia. Identifiers: Orphanet 488647, MedGen C4225174, MONDO:0014809, OMIM 616871.
Inborn genetic diseases. Identifiers: MedGen C0950123, MeSH D030342.

Allele frequency attached by ClinVar (database versions not stated): gnomAD exomes 0.00001; gnomAD 0.00003; ExAC 0.00004; TOPMed 0.00006.

Submissions (5):

Labcorp Genetics (formerly Invitae), Labcorp
Classification: Uncertain significance. Last evaluated: 2025-10-12. Review status: criteria provided, single submitter. Criteria: Invitae Variant Classification Sherloc (09022015). Collection method: clinical testing. Allele origin: germline.
Comment: This sequence change replaces arginine, which is basic and polar, with tryptophan, which is neutral and slightly polar, at codon 267 of the DDX41 protein (p.Arg267Trp). This variant is present in population databases (rs748590587, gnomAD 0.004%). This missense change has been observed in individual(s) with clonal cytopenia of undetermined significance and/or myelodysplastic syndrome (PMID: 36322930, 37216690, 37506341). ClinVar contains an entry for this variant (Variation ID: 2575810). An algorithm developed to predict the effect of missense changes on protein structure and function (PolyPhen-2) suggests that this variant is likely to be tolerated. In summary, the available evidence is currently insufficient to determine the role of this variant in disease. Therefore, it has been classified as a Variant of Uncertain Significance.

Ambry Genetics
Classification: Uncertain significance for Inborn genetic diseases. Last evaluated: 2024-12-04. Review status: criteria provided, single submitter. Criteria: Ambry Variant Classification Scheme 2023. Collection method: clinical testing. Allele origin: germline.
Comment: The p.R267W variant (also known as c.799C>T) is located in coding exon 9 of the DDX41 gene. The arginine at codon 267 is replaced by tryptophan, an amino acid with dissimilar properties. This change occurs in the first base pair of coding exon 9. This amino acid position is highly conserved in available vertebrate species. In addition, this alteration is predicted to be deleterious by in silico analysis. Based on the available evidence, the clinical significance of this variant remains unclear.

Baylor Genetics
Classification: Uncertain significance for DDX41-related hematologic malignancy predisposition syndrome. Last evaluated: 2024-03-15. Review status: criteria provided, single submitter. Criteria: ACMG Guidelines, 2015. Collection method: clinical testing. Allele origin: unknown.

GeneDx
Classification: Uncertain significance. Last evaluated: 2023-10-27. Review status: criteria provided, single submitter. Criteria: GeneDx Variant Classification Process June 2021. Collection method: clinical testing. Allele origin: germline. Affected: yes.
Comment: Not observed at significant frequency in large population cohorts (gnomAD); In silico analysis supports that this missense variant has a deleterious effect on protein structure/function; This variant is associated with the following publications: (PMID: 36455200, 27721487, 37216690, 36322930)

Department of Pathology and Laboratory Medicine, Sinai Health System
Classification: Uncertain significance for DDX41-related hematologic malignancy predisposition syndrome. Last evaluated: 2020-06-22. Review status: criteria provided, single submitter. Criteria: ACMG Guidelines, 2015. Collection method: research. Allele origin: germline.

Literature cited by the submitters: PubMed 36322930 (cited by Labcorp Genetics (formerly Invitae), Labcorp and Ambry Genetics); PubMed 37216690 (cited by Labcorp Genetics (formerly Invitae), Labcorp); PubMed 37506341 (cited by Labcorp Genetics (formerly Invitae), Labcorp).